The following is an entry in ClinVar:

NM_004453.4(ETFDH):c.1344A>G (p.Leu448=)

Gene: ETFDH (electron transfer flavoprotein dehydrogenase; plus strand). Cytogenetic location: 4q32.1.
Variant type: single nucleotide variant.
Coding change: c.1344A>G on transcript NM_004453.4 (MANE Select); coding-DNA position 1344, A replaced by G.
Protein change: p.Leu448=; no amino-acid change (leucine 448 retained).
Molecular consequence: synonymous variant.
Genome position (GRCh38, 1-based): chr4:158,706,247, A>G. VCF-style: chr4-158706247-A-G. GRCh37 (hg19) VCF-style: chr4-159627399-A-G.
Other names: c.1203A>G, p.Leu401= (NM_001281737.2); c.1161A>G, p.Leu387= (NM_001281738.1).
Identifiers: ClinVar variation 765312 (VCV000765312.32), dbSNP rs765652548, ClinGen allele CA3122605.

ClinVar aggregate classification (germline): Likely benign. Review status: criteria provided, multiple submitters, no conflicts (2 of 4 stars). 3 submissions from 3 submitters: Likely benign (3). Last evaluated 2023-10-22.

Conditions:
Multiple acyl-CoA dehydrogenase deficiency (MADD). Also called: Glutaric acidemia type II; GA 2; Glutaric Acidemia type 2; ETHYLMALONIC-ADIPICACIDURIA; GA II; Glutaric aciduria, type 2. Identifiers: Orphanet 26791, MedGen C0268596, MONDO:0009282, OMIM 231680.

Allele frequency attached by ClinVar (database versions not stated): gnomAD 0.00001; gnomAD exomes 0.00001 and 0.00002; ExAC 0.00002; TOPMed 0.00002.
gnomAD v4.1: 19 of 1,612,090 alleles (0.0012%); highest among the groups gnomAD compares: South Asian, 0.019%; no homozygotes.

Submissions (3):

Labcorp Genetics (formerly Invitae), Labcorp
Classification: Likely benign for Multiple acyl-CoA dehydrogenase deficiency. Last evaluated: 2023-10-22. Review status: criteria provided, single submitter. Criteria: Invitae Variant Classification Sherloc (09022015). Collection method: clinical testing. Allele origin: germline.

Blueprint Genetics
Classification: Likely benign. Last evaluated: 2023-05-26. Review status: criteria provided, single submitter. Criteria: ACMG Guidelines, 2015. Collection method: clinical testing. Allele origin: germline.

CeGaT Center for Human Genetics Tuebingen
Classification: Likely benign. Last evaluated: 2023-05-01. Review status: criteria provided, single submitter. Criteria: CeGaT Center For Human Genetics Tuebingen Variant Classification Criteria Version 2. Collection method: clinical testing. Allele origin: germline. Affected: yes. Observed: 1 variant allele.
Comment: ETFDH: BP4, BP7